The following is an entry in ClinVar:

ClinVar aggregate classification (germline): Uncertain significance (1 of 4 stars; one submission).

Conditions:
Duchenne muscular dystrophy (DMD). Also called: Duchenne Muscular Dystrophy (DMD); MUSCULAR DYSTROPHY, PSEUDOHYPERTROPHIC PROGRESSIVE, DUCHENNE TYPE. Identifiers: Orphanet 98896, MedGen C0013264, MONDO:0010679, OMIM 310200.

Submission:

Labcorp Genetics (formerly Invitae), Labcorp
Classification: Uncertain significance for Duchenne muscular dystrophy. Last evaluated: 2018-06-13. Review status: criteria provided, single submitter. Criteria: Invitae Variant Classification Sherloc (09022015). Collection method: clinical testing. Allele origin: germline.
Comment: This variant results in a copy number gain of the genomic region encompassing exon 1 of the DMD gene. The 5' end of this event is unknown as it extends beyond the assayed region for this gene and therefore may encompass additional genes. The 3' boundary is likely confined to intron 1 of the DMD gene. As the precise location of this event is unknown, it may be in tandem or it may be located elsewhere in the genome. This variant has not been reported in the literature in individuals with DMD-related disease. In summary, the available evidence is currently insufficient to determine the role of this variant in disease. Therefore, it has been classified as a Variant of Uncertain Significance.

NC_000023.10:g.(?_33192452)_(33357402_?)dup

Gene: DMD (dystrophin; minus strand). Cytogenetic location: Xp21.1.
Variant type: Duplication.
Identifiers: ClinVar variation 526152 (VCV000526152.1).